The following is an entry in ClinVar:

NM_001177316.2(SLC34A3):c.1183T>C (p.Phe395Leu)

Gene: SLC34A3 (solute carrier family 34 member 3; plus strand). Cytogenetic location: 9q34.3.
Variant type: single nucleotide variant.
Coding change: c.1183T>C on transcript NM_001177316.2 (MANE Select); coding-DNA position 1183, T replaced by C.
Protein change: p.Phe395Leu; replaces phenylalanine 395 with leucine.
Molecular consequence: missense variant.
Genome position (GRCh38, 1-based): chr9:137,234,505, T>C. VCF-style: chr9-137234505-T-C. GRCh37 (hg19) VCF-style: chr9-140128957-T-C.
Other names: c.1183T>C, p.Phe395Leu (NM_001177317.2, NM_080877.3); short protein forms F395L.
Identifiers: ClinVar variation 1348289 (VCV001348289.10), dbSNP rs560440785, ClinGen allele CA5364824.

ClinVar aggregate classification (germline): Uncertain significance. Review status: criteria provided, multiple submitters, no conflicts (2 of 4 stars). 2 submissions from 2 submitters: Uncertain significance (2). Last evaluated 2024-05-09.

Conditions:
Autosomal recessive hypophosphatemic bone disease (HHRH). Also called: Hypophosphatemic rickets with hypercalciuria; HYPERCALCIURIC RICKETS. Identifiers: Orphanet 157215, MedGen C1853271, MONDO:0009431, OMIM 241530.

Allele frequency attached by ClinVar (database versions not stated): gnomAD exomes below 0.00001 and 0.00001; TOPMed below 0.00001; ExAC 0.00001; gnomAD 0.00001.
gnomAD v4.1: 11 of 1,604,456 alleles (0.00069%); highest among the groups gnomAD compares: Non-Finnish European, 0.00059%; no homozygotes.

Submissions (2):

Fulgent Genetics
Classification: Uncertain significance for Autosomal recessive hypophosphatemic bone disease. Last evaluated: 2024-05-09. Review status: criteria provided, single submitter. Criteria: ACMG Guidelines, 2015. Collection method: clinical testing. Allele origin: germline.

Labcorp Genetics (formerly Invitae), Labcorp
Classification: Uncertain significance. Last evaluated: 2021-07-09. Review status: criteria provided, single submitter. Criteria: Invitae Variant Classification Sherloc (09022015). Collection method: clinical testing. Allele origin: germline.
Comment: This sequence change replaces phenylalanine with leucine at codon 395 of the SLC34A3 protein (p.Phe395Leu). The phenylalanine residue is highly conserved and there is a small physicochemical difference between phenylalanine and leucine. In summary, the available evidence is currently insufficient to determine the role of this variant in disease. Therefore, it has been classified as a Variant of Uncertain Significance. Algorithms developed to predict the effect of missense changes on protein structure and function (SIFT, PolyPhen-2, Align-GVGD) all suggest that this variant is likely to be tolerated. This variant has not been reported in the literature in individuals affected with SLC34A3-related conditions. This variant is present in population databases (rs560440785, ExAC 0.002%).